The following is an entry in ClinVar:

NM_173630.4(RTTN):c.2315G>A (p.Arg772His)

Gene: RTTN (rotatin; minus strand). Cytogenetic location: 18q22.2.
Variant type: single nucleotide variant.
Coding change: c.2315G>A on transcript NM_173630.4 (MANE Select); coding-DNA position 2315, G replaced by A.
Protein change: p.Arg772His; replaces arginine 772 with histidine.
Molecular consequence: missense variant. On other transcripts: 5 prime UTR variant (1).
Genome position (GRCh38, 1-based): chr18:70,145,778, C>T on the plus strand (G>A on the coding strand, the complement: RTTN is on the minus strand). VCF-style: chr18-70145778-C-T. GRCh37 (hg19) VCF-style: chr18-67813014-C-T.
Other names: c.-333G>A (NM_001318520.2); short protein forms R772H.
Identifiers: ClinVar variation 2159547 (VCV002159547.27), dbSNP rs751344541, ClinGen allele CA8995913.
Genomic context (GRCh38, chr18:70,145,778, plus strand): 5'-TTTGTATCAGCCCCTTCTTCACTGGTAAGATGGAATGCTAAAAGCTTTAATGCTAGCGAA[C>T]GGACCCTGAGAACACAAAGTACTTAAGTCGAACTTTCGTGATATGCAAATGTCTATTTTA-3'
Protein context (NP_775901.3, residues 762-782): RLLLVKKPSV[Arg772His]SLALKLLAFH

ClinVar aggregate classification (germline): Conflicting classifications of pathogenicity. Review status: criteria provided, conflicting classifications (1 of 4 stars). 3 submissions from 3 submitters: Likely pathogenic (1); Uncertain significance (2). Last evaluated 2024-11-20.

Conditions:
Microcephalic primordial dwarfism due to RTTN deficiency (MSSP). Also called: Microcephaly, short stature, and polymicrogyria with or without seizures; MICROCEPHALY, SHORT STATURE, AND POLYMICROGYRIA. Identifiers: Orphanet 468631, MedGen C3553831, MONDO:0018764, OMIM 614833.

Allele frequency attached by ClinVar (database versions not stated): gnomAD exomes below 0.00001; gnomAD 0.00001; TOPMed 0.00001; ExAC 0.00002.
gnomAD v4.1: 9 of 1,604,658 alleles (0.00056%); highest among the groups gnomAD compares: Non-Finnish European, 0.00068%; no homozygotes.

Submissions (3):

Laboratoire de Cytogenomique, Chu Angers
Classification: Uncertain significance for Microcephalic primordial dwarfism due to RTTN deficiency. Last evaluated: 2024-11-20. Review status: criteria provided, single submitter. Criteria: ACMG Guidelines, 2015. Collection method: clinical testing. Allele origin: germline. Inheritance: Autosomal recessive inheritance. Affected: yes. Observed: 1 compound heterozygote.
Comment: NM_173630.4(RTTN):c.2315G>A : Very rare variant in population databases, with high coverage ; Detected in trans with a pathogenic variant ; Patient’s phenotype is specific for this disease with a single genetic etiology (microcephaly and lissencephaly) ; Variant in trans : NM_173630.4(RTTN):c.3449T>A (Pathogenic) : Loss of function variant, product undergoes nonsense mediated mRNA decay. LoF is a known mechanism of disease ; Very rare variant in population databases, with high coverage ; Detected in trans with a uncertain significant variant ; Patient’s phenotype is specific for this disease with a single genetic etiology (microcephaly and lissencephaly) ; Described in ClinVar as [Pathogenic]. Clinvar id is 1325024.

Labcorp Genetics (formerly Invitae), Labcorp
Classification: Uncertain significance. Last evaluated: 2024-10-24. Review status: criteria provided, single submitter. Criteria: Invitae Variant Classification Sherloc (09022015). Collection method: clinical testing. Allele origin: germline.
Comment: This sequence change replaces arginine, which is basic and polar, with histidine, which is basic and polar, at codon 772 of the RTTN protein (p.Arg772His). The frequency data for this variant in the population databases is considered unreliable, as metrics indicate poor data quality at this position in the gnomAD database. This missense change has been observed in individual(s) with RTTN-related conditions (PMID: 29883675). It has also been observed to segregate with disease in related individuals. ClinVar contains an entry for this variant (Variation ID: 2159547). Invitae Evidence Modeling of protein sequence and biophysical properties (such as structural, functional, and spatial information, amino acid conservation, physicochemical variation, residue mobility, and thermodynamic stability) indicates that this missense variant is expected to disrupt RTTN protein function with a positive predictive value of 80%. In summary, the available evidence is currently insufficient to determine the role of this variant in disease. Therefore, it has been classified as a Variant of Uncertain Significance.

Oxford Medical Genetics Laboratories, Oxford University Hospitals NHS Foundation Trust
Classification: Likely pathogenic for Microcephalic primordial dwarfism due to RTTN deficiency. Last evaluated: 2023-03-23. Review status: criteria provided, single submitter. Criteria: ACMG Guidelines, 2015. Collection method: clinical testing. Allele origin: germline. Affected: yes.

Literature cited by the submitters: PubMed 29883675 (cited by Labcorp Genetics (formerly Invitae), Labcorp).